The following is an entry in ClinVar:

NM_002185.5(IL7R):c.617G>A (p.Arg206Gln)

Gene: IL7R (interleukin 7 receptor; plus strand). Cytogenetic location: 5p13.2.
Variant type: single nucleotide variant.
Coding change: c.617G>A on transcript NM_002185.5 (MANE Select); coding-DNA position 617, G replaced by A.
Protein change: p.Arg206Gln; replaces arginine 206 with glutamine.
Molecular consequence: missense variant.
Genome position (GRCh38, 1-based): chr5:35,873,559, G>A. VCF-style: chr5-35873559-G-A. GRCh37 (hg19) VCF-style: chr5-35873661-G-A.
Other names: NM_002185.5(IL7R):c.617G>A; c.617G>A (LRG_74t1); short protein forms R206Q.
Identifiers: ClinVar variation 36395 (VCV000036395.14), dbSNP rs193922644, ClinGen allele CA214052.

ClinVar aggregate classification (germline): Likely pathogenic. Review status: reviewed by expert panel (3 of 4 stars). 3 submissions from 3 submitters: Likely pathogenic (1). 2 of the submissions do not count toward it. Last evaluated 2026-10-05.

Conditions:
Immunodeficiency 104. Also called: Severe combined immunodeficiency, autosomal recessive, T cell-negative, B cell-positive, NK cell-positive; SCID, AUTOSOMAL RECESSIVE, T CELL-NEGATIVE, B CELL-POSITIVE, NK CELL-POSITIVE; Severe Combined Immune Deficiency, Autosomal Recessive, TCell -Negative, B Cell-Positive, NK Cell-Positive, IL7R-Related; IMMUNODEFICIENCY 104, SEVERE COMBINED. Identifiers: MedGen C5676890, MONDO:0012163, OMIM 608971.

Allele frequency attached by ClinVar (database versions not stated): ExAC 0.00003; gnomAD 0.00005; TOPMed 0.00005; gnomAD exomes 0.00003.

Submissions (3):

ClinGen Severe Combined Immunodeficiency Variant Curation Expert Panel, ClinGen
Classification: Likely pathogenic for Immunodeficiency 104. Last evaluated: 2026-10-05. Review status: reviewed by expert panel. Criteria: ClinGen SCID ACMG Specifications IL7R V2.2. Collection method: curation. Allele origin: germline. Inheritance: Autosomal recessive inheritance.
Comment: The NM_002185.5(IL7R):c.617G>A variant is a missense variant predicted to cause substitution of Arginine by Glutamine at amino acid 206 (p.Arg206Gln). The Grpmax filtering allele frequency of this variant is 0.00001883 (Non-Finnish European) in gnomAD v4.1, which is lower than the ClinGen SCID VCEP threshold (<0.00004129) for PM2_Supporting, therefore meets this criterion (PM2_Supporting). No homozygotes have been observed in gnomAD. This variant was identified in the homozygous state in an affected proband with IL7Rα deficiency (PMID 39052144); This variant was also identified in confirmed trans configuration with c.616C>T (p.Arg206Ter), a variant independently classified as Pathogenic under SCID VCEP specifications, in an affected proband with SCID, with phase confirmed by family testing (PMID 38165471; also reported via SCV000052719) (1.0 point). Total: 3.5 points, meeting the PM3_Strong criterion. In the proband reported in PMID 36919728, whole-exome sequencing identified this variant as the sole genetic cause of clinically and histologically diagnosed Omenn syndrome, with no alternative explanation found for the phenotype (1.0 point). The proband displayed a T−B+NK+ lymphocyte profile, with normal CD19+ B cells (638 cells/mm³) and normal CD16+/CD56+ NK cells (133/437 cells/mm³) alongside reduced CD3+ T cells (240 cells/mm³) (0.25 point). Additional supportive findings included undetectable TREC copies with normal KREC, markedly elevated IgE (360 IU/mL), generalized erythroderma, splenomegaly, and a skin biopsy histologically consistent with Omenn syndrome; however, formal PIDTC 2022 leaky/atypical SCID diagnostic criteria could not be confirmed, as T-cell proliferation data (Criterion 3) were not reported, so the diagnostic-criteria point was not awarded. A total of 1.25 points were assigned, meeting the PP4 criterion. In summary, this variant meets the criteria to be classified as Likely Pathogenic for autosomal recessive severe combined immunodeficiency due to IL7Rα deficiency based on the ACMG/AMP criteria applied, as specified by the ClinGen SCID VCEP: PM3_Strong, PP4, PM2_Supporting (VCEP specifications version 2.2).

Labcorp Genetics (formerly Invitae), Labcorp
Classification: Likely pathogenic for Immunodeficiency 104. Last evaluated: 2026-01-21. Review status: criteria provided, single submitter. Criteria: Invitae Variant Classification Sherloc (09022015). Collection method: clinical testing. Allele origin: germline. Not counted in ClinVar's aggregate classification.
Comment: This sequence change replaces arginine, which is basic and polar, with glutamine, which is neutral and polar, at codon 206 of the IL7R protein (p.Arg206Gln). This variant is present in population databases (rs193922644, gnomAD 0.01%). This missense change has been observed in individuals with clinical features of IL7R-related conditions (PMID: 39039281, 39052144). ClinVar contains an entry for this variant (Variation ID: 36395). Invitae Evidence Modeling of protein sequence and biophysical properties (such as structural, functional, and spatial information, amino acid conservation, physicochemical variation, residue mobility, and thermodynamic stability) indicates that this missense variant is expected to disrupt IL7R protein function with a positive predictive value of 95%. Algorithms developed to predict the effect of sequence changes on RNA splicing suggest that this variant may disrupt the consensus splice site. In summary, the currently available evidence indicates that the variant is pathogenic, but additional data are needed to prove that conclusively. Therefore, this variant has been classified as Likely Pathogenic.

Women's Health and Genetics/Laboratory Corporation of America, LabCorp
Classification: Uncertain significance. Last evaluated: 2019-01-16. Review status: criteria provided, single submitter. Criteria: LabCorp Variant Classification Summary - May 2015. Collection method: clinical testing. Allele origin: germline. Not counted in ClinVar's aggregate classification.
Comment: Variant summary: IL7R c.617G>A (p.Arg206Gln) results in a conservative amino acid change located in the Fibronectin type III domain of the encoded protein sequence. Four of five in-silico tools predict a damaging effect of the variant on protein function. The variant allele was found at a frequency of 3.3e-05 in 276662 control chromosomes (gnomAD). The available data on variant occurrences in the general population are insufficient to allow any conclusion about variant significance. No other pathogenic/likely pathogenic variants were identified in the IL7R, CD3D, CD3E genes analyzed. This patient is lost to additional follow-up. To our knowledge, no other occurrence of c.617G>A in individuals affected with Severe Combined Immunodeficiency Syndrome and no experimental evidence demonstrating its impact on protein function have been reported. A ClinVar submission from a clinical diagnostic laboratory (evaluation after 2014) cites the variant as uncertain significance. Based on the evidence outlined above, the variant was classified as uncertain significance.

Literature cited by the submitters: PubMed 39039281 (cited by Labcorp Genetics (formerly Invitae), Labcorp); PubMed 39052144 (cited by Labcorp Genetics (formerly Invitae), Labcorp).